The following is an entry in ClinVar:

NM_006379.5(SEMA3C):c.1287T>C (p.Tyr429=)

Gene: SEMA3C (semaphorin 3C; minus strand). Cytogenetic location: 7q21.11.
Variant type: single nucleotide variant.
Coding change: c.1287T>C on transcript NM_006379.5 (MANE Select); coding-DNA position 1287, T replaced by C.
Protein change: p.Tyr429=; no amino-acid change (tyrosine 429 retained).
Molecular consequence: synonymous variant.
Genome position (GRCh38, 1-based): chr7:80,789,373, A>G on the plus strand (T>C on the coding strand, the complement: SEMA3C is on the minus strand). VCF-style: chr7-80789373-A-G. GRCh37 (hg19) VCF-style: chr7-80418689-A-G.
Other names: c.1341T>C, p.Tyr447= (NM_001350120.2); c.1113T>C, p.Tyr371= (NM_001350121.2).
Identifiers: ClinVar variation 3060714 (VCV003060714.2), dbSNP rs17275986, ClinGen allele CA4316162.

ClinVar aggregate classification (germline): Benign (0 of 4 stars; one submission).

Conditions:
SEMA3C-related disorder. Also called: SEMA3C-related condition.

Allele frequency attached by ClinVar (database versions not stated): 1000 Genomes Project 0.11222; 1000 Genomes Project 30x 0.11259; TOPMed 0.14145; gnomAD 0.15356; ExAC 0.15783; ESP Exome Variant Server 0.15854; gnomAD exomes 0.18854.
gnomAD v4.1: 297,573 of 1,613,682 alleles (18%); highest among the groups gnomAD compares: Non-Finnish European, 21%; 29,215 homozygotes.

Submission:

PreventionGenetics, part of Exact Sciences
Classification: Benign for SEMA3C-related condition. Last evaluated: 2022-08-19. Review status: no assertion criteria provided. Collection method: clinical testing. Allele origin: germline.
Comment: This variant is classified as benign based on ACMG/AMP sequence variant interpretation guidelines (Richards et al. 2015 PMID: 25741868, with internal and published modifications).